The following is an entry in ClinVar:

ClinVar aggregate classification (germline): Uncertain significance (1 of 4 stars; one submission).

Conditions:
Candidiasis, familial, 9 (CANDF9). Identifiers: Orphanet 1334, MedGen C4225324, MONDO:0014642, OMIM 616445.

Submission:

Labcorp Genetics (formerly Invitae), Labcorp
Classification: Uncertain significance for Candidiasis, familial, 9. Last evaluated: 2026-01-19. Review status: criteria provided, single submitter. Criteria: Invitae Variant Classification Sherloc (09022015). Collection method: clinical testing. Allele origin: germline.
Comment: This sequence change falls in intron 6 of the IL17RC gene. It does not directly change the encoded amino acid sequence of the IL17RC protein. It affects a nucleotide within the consensus splice site. The frequency data for this variant in the population databases is considered unreliable, as metrics indicate poor data quality at this position in the gnomAD database. This variant has not been reported in the literature in individuals affected with IL17RC-related conditions. Variants that disrupt the consensus splice site are a relatively common cause of aberrant splicing (PMID: 17576681, 9536098). Algorithms developed to predict the effect of sequence changes on RNA splicing suggest that this variant may disrupt the consensus splice site. In summary, the available evidence is currently insufficient to determine the role of this variant in disease. Therefore, it has been classified as a Variant of Uncertain Significance.

Literature cited by the submitters: PubMed 17576681; PubMed 9536098.

NM_153460.4(IL17RC):c.577+5G>A

Gene: IL17RC (interleukin 17 receptor C; plus strand). Cytogenetic location: 3p25.3.
Variant type: single nucleotide variant.
Coding change: c.577+5G>A on transcript NM_153460.4 (MANE Select); 5 bases into the intron after coding-DNA position 577, G replaced by A.
Molecular consequence: intron variant.
Genome position (GRCh38, 1-based): chr3:9,920,607, G>A. VCF-style: chr3-9920607-G-A. GRCh37 (hg19) VCF-style: chr3-9962291-G-A.
Other names: c.790+5G>A (NM_153461.4); c.577+5G>A (NM_001203263.2, NM_001203264.2, NM_001367278.1 and 4 more transcripts); c.502+5G>A (NM_001367279.1).
Identifiers: ClinVar variation 4772603 (VCV004772603.1).
Genomic context (GRCh38, chr3:9,920,607, plus strand): 5'-GTCCTATACTCAGCCCAGGTACGAGAAGGAACTCAACCACACACAGCAGCTGCCTGGTAA[G>A]TGGACCCCCAAGTCCTGGCCCCCTAGCCTCTGTCCCCTCTGGCCATTCCCCCTCCTGATT-3'